The following is an entry in ClinVar:

ClinVar aggregate classification (germline): Uncertain significance (1 of 4 stars; one submission).

Allele frequency attached by ClinVar (database versions not stated): gnomAD 0.00001.
gnomAD v4.1: 1 of 1,614,058 alleles (0.000062%); highest among the groups gnomAD compares: African/African-American, 0.0013%; no homozygotes.

Submission:

Labcorp Genetics (formerly Invitae), Labcorp
Classification: Uncertain significance. Last evaluated: 2024-04-10. Review status: criteria provided, single submitter. Criteria: Invitae Variant Classification Sherloc (09022015). Collection method: clinical testing. Allele origin: germline.
Comment: This sequence change replaces methionine, which is neutral and non-polar, with leucine, which is neutral and non-polar, at codon 342 of the GATAD2B protein (p.Met342Leu). This variant is not present in population databases (gnomAD no frequency). This variant has not been reported in the literature in individuals affected with GATAD2B-related conditions. ClinVar contains an entry for this variant (Variation ID: 1358094). Advanced modeling of protein sequence and biophysical properties (such as structural, functional, and spatial information, amino acid conservation, physicochemical variation, residue mobility, and thermodynamic stability) performed at Invitae indicates that this missense variant is not expected to disrupt GATAD2B protein function with a negative predictive value of 80%. In summary, the available evidence is currently insufficient to determine the role of this variant in disease. Therefore, it has been classified as a Variant of Uncertain Significance.

NM_020699.4(GATAD2B):c.1024A>T (p.Met342Leu)

Gene: GATAD2B (GATA zinc finger domain containing 2B; minus strand). Cytogenetic location: 1q21.3.
Variant type: single nucleotide variant.
Coding change: c.1024A>T on transcript NM_020699.4 (MANE Select); coding-DNA position 1024, A replaced by T.
Protein change: p.Met342Leu; replaces methionine 342 with leucine.
Molecular consequence: missense variant.
Genome position (GRCh38, 1-based): chr1:153,816,465, T>A on the plus strand (A>T on the coding strand, the complement: GATAD2B is on the minus strand). VCF-style: chr1-153816465-T-A. GRCh37 (hg19) VCF-style: chr1-153788941-T-A.
Other names: short protein forms M342L.
Identifiers: ClinVar variation 1358094 (VCV001358094.8), dbSNP rs145863585, ClinGen allele CA342527700.